The following is an entry in ClinVar:

NM_080680.3(COL11A2):c.1403C>A (p.Ala468Glu)

Gene: COL11A2 (collagen type XI alpha 2 chain; minus strand). Cytogenetic location: 6p21.32.
Variant type: single nucleotide variant.
Coding change: c.1403C>A on transcript NM_080680.3 (MANE Select); coding-DNA position 1403, C replaced by A.
Protein change: p.Ala468Glu; replaces alanine 468 with glutamic acid.
Molecular consequence: missense variant.
Genome position (GRCh38, 1-based): chr6:33,179,762, G>T on the plus strand (C>A on the coding strand, the complement: COL11A2 is on the minus strand). VCF-style: chr6-33179762-G-T. GRCh37 (hg19) VCF-style: chr6-33147539-G-T.
Other names: c.1082C>A, p.Ala361Glu (NM_080679.3); c.1145C>A, p.Ala382Glu (NM_080681.3); short protein forms A361E, A382E, A468E.
Identifiers: ClinVar variation 2015581 (VCV002015581.4), dbSNP rs1475898236, ClinGen allele CA363606013.

ClinVar aggregate classification (germline): Uncertain significance (1 of 4 stars; one submission).

Submission:

Labcorp Genetics (formerly Invitae), Labcorp
Classification: Uncertain significance. Last evaluated: 2022-07-09. Review status: criteria provided, single submitter. Criteria: Invitae Variant Classification Sherloc (09022015). Collection method: clinical testing. Allele origin: germline.
Comment: In summary, the available evidence is currently insufficient to determine the role of this variant in disease. Therefore, it has been classified as a Variant of Uncertain Significance. Advanced modeling of protein sequence and biophysical properties (such as structural, functional, and spatial information, amino acid conservation, physicochemical variation, residue mobility, and thermodynamic stability) performed at Invitae indicates that this missense variant is not expected to disrupt COL11A2 protein function. This variant has not been reported in the literature in individuals affected with COL11A2-related conditions. This variant is not present in population databases (gnomAD no frequency). This sequence change replaces alanine, which is neutral and non-polar, with glutamic acid, which is acidic and polar, at codon 468 of the COL11A2 protein (p.Ala468Glu).